The following is an entry in ClinVar:

NM_000082.4(ERCC8):c.797A>C (p.Asp266Ala)

Gene: ERCC8 (ERCC excision repair 8, CSA ubiquitin ligase complex subunit; minus strand). Cytogenetic location: 5q12.1.
Variant type: single nucleotide variant.
Coding change: c.797A>C on transcript NM_000082.4 (MANE Select); coding-DNA position 797, A replaced by C.
Protein change: p.Asp266Ala; replaces aspartic acid 266 with alanine.
Molecular consequence: missense variant.
Genome position (GRCh38, 1-based): chr5:60,898,322, T>G on the plus strand (A>C on the coding strand, the complement: ERCC8 is on the minus strand). VCF-style: chr5-60898322-T-G. GRCh37 (hg19) VCF-style: chr5-60194149-T-G.
Other names: c.623A>C, p.Asp208Ala (NM_001007233.3); c.338A>C, p.Asp113Ala (NM_001290285.2); short protein forms D113A, D208A, D266A.
Identifiers: ClinVar variation 973767 (VCV000973767.2), dbSNP rs281875225, ClinGen allele CA359824919.

ClinVar aggregate classification (germline): Likely pathogenic (1 of 4 stars; one submission).

Conditions:
Cockayne syndrome type 1. Also called: Cockayne syndrome type I; Cockayne syndrome classical; Cockayne syndrome classic form. Identifiers: Orphanet 191, Orphanet 90321, MedGen C0751039, MONDO:0019569, OMIM 216400.

gnomAD v4.1: 1 of 1,613,718 alleles (0.000062%); highest among the groups gnomAD compares: Admixed American, 0.0017%; no homozygotes.

Submission:

Institute for Genomic Statistics and Bioinformatics, University Hospital Bonn
Classification: Likely pathogenic for Cockayne syndrome type 1. Review status: criteria provided, single submitter. Criteria: ACMG Guidelines, 2015. Collection method: clinical testing. Allele origin: germline. Inheritance: Autosomal recessive inheritance. Affected: yes. Observed: 1 homozygote.
Comment: Using trio-exome sequencing and analysis of the genes with the ten highest PEDIA values (PMID: 31164752), a probably pathogenic homozygous missense variant was detected in exon 9 of the ERCCB gene. The name of the variant is: NM_000082: c.797A>C;p.(Asp266Ala) . In the population-based database gnomAD this variant is listed once in heterozygous form {allele frequency 0.00000398), in the population-based databases ExAC, 1000Genomes and the Exome Variant Server it is not listed. In the phenotype-related database HGMD the above variant is once listed as pathogenic (PMID : 30111349); in ClinVar and LOVD the variant is not found. In addition, another exchange of the affected amino acid (p.Asp266Gly) has already been published as pathogenic (PMID: 19894250 , 16865293). The mutation prediction programs MutationTaster, SIFT and PolyPhen-2 classify the variant as pathogenic, the CADD score is 27.3. One of the most highly conserved amino acids of the ERCC8 protein, located in a WD protein domain, is affected. The ACMG classification for this variant is: probably pathogenic (Class 4: PM1, PM2, PMS, PP3)